The following is an entry in ClinVar:

ClinVar aggregate classification (germline): Pathogenic/Likely pathogenic. Review status: criteria provided, multiple submitters, no conflicts (2 of 4 stars). 8 submissions from 7 submitters: Pathogenic (4); Likely pathogenic (3). 1 of the submissions does not count toward it. Last evaluated 2026-05-15.

Conditions:
ABCA4-related disorder. Also called: ABCA4-related condition; ABCA4-related disorders. Identifiers: MedGen CN239167.
Retinal dystrophy. Also called: Inherited retinal dystrophy. Identifiers: Orphanet 71862, MedGen C0854723, MeSH D058499, MONDO:0019118, HP:0000556.
Severe early-childhood-onset retinal dystrophy (STGD1). Also called: MACULAR DYSTROPHY WITH FLECKS, TYPE 1; STGD; Stargardt macular dystrophy; Juvenile onset macular degeneration; Stargardt disease 1. Identifiers: Orphanet 364055, Orphanet 827, MedGen C1855465, MeSH D000080362, MONDO:0009549, OMIM 248200.

Allele frequency attached by ClinVar (database versions not stated): gnomAD exomes below 0.00001.
gnomAD v4.1: 2 of 1,614,134 alleles (0.00012%); highest among the groups gnomAD compares: Non-Finnish European, 0.00017%; no homozygotes.

Submissions (8):

PreventionGenetics, part of Exact Sciences
Classification: Pathogenic for ABCA4-related condition. Last evaluated: 2026-05-15. Review status: criteria provided, single submitter. Criteria: ACMG Guidelines, 2015. Collection method: clinical testing. Allele origin: germline.
Comment: The ABCA4 c.3261A>C variant is predicted to result in the amino acid substitution p.Glu1087Asp. This variant has been reported in individuals with retinal disease (Table S1, Birtel et al. 2018. PubMed ID: 29555955; Collison et al. 2019. PubMed ID: 30204727; Table S1, Weisschuh et al. 2024. PubMed ID: 37734845). Other variants impacting this amino acid position (p.Glu1087Lys, p.Glu1087Gly) have been reported in individuals with retinal disease (Allikmets et al. 1997. PubMed ID: 9054934; Table S1, Fujinami et al. 2019. PubMed ID: 29925512). This variant is absent in a large population database (gnomAD), indicating this variant is rare, and has been reported as pathogenic by many submitters to ClinVar (Variation ID: 99212). This variant is interpreted as pathogenic.

Labcorp Genetics (formerly Invitae), Labcorp
Classification: Pathogenic. Last evaluated: 2026-01-27. Review status: criteria provided, single submitter. Criteria: Invitae Variant Classification Sherloc (09022015). Collection method: clinical testing. Allele origin: germline.
Comment: This sequence change replaces glutamic acid, which is acidic and polar, with aspartic acid, which is acidic and polar, at codon 1087 of the ABCA4 protein (p.Glu1087Asp). This variant is not present in population databases (gnomAD no frequency). This missense change has been observed in individual(s) with Stargardt disease or cone-rod dystrophy (PMID: 19074458, 29555955). In at least one individual the data is consistent with being in trans (on the opposite chromosome) from a pathogenic variant. ClinVar contains an entry for this variant (Variation ID: 99212). Invitae Evidence Modeling of protein sequence and biophysical properties (such as structural, functional, and spatial information, amino acid conservation, physicochemical variation, residue mobility, and thermodynamic stability) indicates that this missense variant is expected to disrupt ABCA4 protein function with a positive predictive value of 95%. This variant disrupts the p.Glu1087 amino acid residue in ABCA4. Other variant(s) that disrupt this residue have been determined to be pathogenic (PMID: 19265867, 22264887, 28559085, 30576320). This suggests that this residue is clinically significant, and that variants that disrupt this residue are likely to be disease-causing. For these reasons, this variant has been classified as Pathogenic.

Blueprint Genetics
Classification: Pathogenic for ABCA4-related disorders. Last evaluated: 2024-01-30. Review status: criteria provided, single submitter. Criteria: ACMG Guidelines, 2015. Collection method: clinical testing. Allele origin: germline. Affected: yes. Observed: 5 variant alleles.

MGZ Medical Genetics Center
Classification: Likely pathogenic for Severe early-childhood-onset retinal dystrophy. Last evaluated: 2022-04-01. Review status: criteria provided, single submitter. Criteria: ACMG Guidelines, 2015. Collection method: clinical testing. Allele origin: germline. Affected: yes. Observed: 1 variant allele.
Comment: ACMG criteria applied: PM3, PM5, PM2_SUP, PP3

Institute of Human Genetics, Univ. Regensburg, Univ. Regensburg
Classification: Likely pathogenic for Retinal dystrophy. Last evaluated: 2022-01-01. Review status: criteria provided, single submitter. Criteria: ACMG Guidelines, 2015. Collection method: clinical testing. Allele origin: germline. Affected: yes.

CeGaT Center for Human Genetics Tuebingen
Classification: Pathogenic. Last evaluated: 2019-07-01. Review status: criteria provided, single submitter. Criteria: CeGaT Center For Human Genetics Tuebingen Variant Classification Criteria Version 2. Collection method: clinical testing. Allele origin: germline. Affected: yes. Observed: 5 variant alleles.

Institute of Human Genetics, Univ. Regensburg, Univ. Regensburg
Classification: Likely pathogenic for Severe early-childhood-onset retinal dystrophy. Last evaluated: 2016-01-01. Review status: criteria provided, single submitter. Criteria: Schulz et al. (Invest Ophthalmol Vis Sci. 2017). Collection method: clinical testing. Allele origin: germline. Affected: yes. Observed: 1 heterozygote.

Retina International
No classification provided. Review status: no classification provided. Collection method: not provided. Allele origin: not provided. Not counted in ClinVar's aggregate classification.

Literature cited by the submitters: PubMed 19074458 (cited by Labcorp Genetics (formerly Invitae), Labcorp and Institute of Human Genetics, Univ. Regensburg, Univ. Regensburg); PubMed 29555955 (cited by Labcorp Genetics (formerly Invitae), Labcorp and Institute of Human Genetics, Univ. Regensburg, Univ. Regensburg); PubMed 19265867 (cited by Labcorp Genetics (formerly Invitae), Labcorp); PubMed 22264887 (cited by Labcorp Genetics (formerly Invitae), Labcorp); PubMed 28559085 (cited by Labcorp Genetics (formerly Invitae), Labcorp); PubMed 30576320 (cited by Labcorp Genetics (formerly Invitae), Labcorp); PubMed 14517951 (cited by Institute of Human Genetics, Univ. Regensburg, Univ. Regensburg); PubMed 30204727 (cited by Institute of Human Genetics, Univ. Regensburg, Univ. Regensburg); PubMed 30156925 (cited by Institute of Human Genetics, Univ. Regensburg, Univ. Regensburg); PubMed 32531858 (cited by Institute of Human Genetics, Univ. Regensburg, Univ. Regensburg); PubMed 32037395 (cited by Institute of Human Genetics, Univ. Regensburg, Univ. Regensburg).

NM_000350.3(ABCA4):c.3261A>C (p.Glu1087Asp)

Gene: ABCA4 (ATP binding cassette subfamily A member 4; minus strand). Cytogenetic location: 1p22.1.
Variant type: single nucleotide variant.
Coding change: c.3261A>C on transcript NM_000350.3 (MANE Select); coding-DNA position 3261, A replaced by C.
Protein change: p.Glu1087Asp; replaces glutamic acid 1087 with aspartic acid.
Molecular consequence: missense variant.
Genome position (GRCh38, 1-based): chr1:94,042,828, T>G on the plus strand (A>C on the coding strand, the complement: ABCA4 is on the minus strand). VCF-style: chr1-94042828-T-G. GRCh37 (hg19) VCF-style: chr1-94508384-T-G.
Other names: c.3039A>C, p.Glu1013Asp (NM_001425324.1); short protein forms E1087D, E1013D.
Identifiers: ClinVar variation 99212 (VCV000099212.55), dbSNP rs61752416, ClinGen allele CA227098.
Genomic context (GRCh38, chr1:94,042,828, plus strand): 5'-ATACTTCAGGAGCAGATCCCAGATTGAGCGTCTCGAGTAAGGGTCCACCCCAGAGGTGGG[T>G]TCGTCCAGAATCACCACCTTGGCATCTCCCACAAAGGCAATGGCAACCGACAGCTTTCTC-3'
Protein context (NP_000341.2, residues 1077-1097): VGDAKVVILD[Glu1087Asp]PTSGVDPYSR